The following is an entry in ClinVar:

ClinVar aggregate classification (germline): Likely benign (0 of 4 stars; one submission).

Conditions:
HNRNPA1-related disorder. Also called: HNRNPA1-related condition.

Submission:

PreventionGenetics, part of Exact Sciences
Classification: Likely benign for HNRNPA1-related condition. Last evaluated: 2021-08-16. Review status: no assertion criteria provided. Collection method: clinical testing. Allele origin: germline.
Comment: This variant is classified as likely benign based on ACMG/AMP sequence variant interpretation guidelines (Richards et al. 2015 PMID: 25741868, with internal and published modifications).

NM_031157.4(HNRNPA1):c.213T>C (p.Ala71=)

Genes: HNRNPA1 (heterogeneous nuclear ribonucleoprotein A1; plus strand), LOC117038776 (CRISPRi-FlowFISH-validated NFE2 regulatory element 2; plus strand). Cytogenetic location: 12q13.13.
Variant type: single nucleotide variant.
Coding change: c.213T>C on transcript NM_031157.4 (MANE Select); coding-DNA position 213, T replaced by C.
Protein change: p.Ala71=; no amino-acid change (alanine 71 retained).
Molecular consequence: synonymous variant. On other transcripts: non-coding transcript variant (1).
Genome position (GRCh38, 1-based): chr12:54,281,875, T>C. VCF-style: chr12-54281875-T-C. GRCh37 (hg19) VCF-style: chr12-54675659-T-C.
Other names: c.213T>C, p.Ala71= (NM_002136.4).
Identifiers: ClinVar variation 3058851 (VCV003058851.2), dbSNP rs2540581749, ClinGen allele CA480002727.